The following is an entry in ClinVar:

ClinVar aggregate classification (germline): Uncertain significance (1 of 4 stars; one submission).

Conditions:
FHOD3-related disorder. Also called: FHOD3-related condition.

Submission:

PreventionGenetics, part of Exact Sciences
Classification: Uncertain significance for FHOD3-related condition. Last evaluated: 2026-09-23. Review status: criteria provided, single submitter. Criteria: ACMG Guidelines, 2015. Collection method: clinical testing. Allele origin: germline.
Comment: The FHOD3 c.1225A>G variant is predicted to result in the amino acid substitution p.Ile409Val. To our knowledge, this variant has not been reported in the literature. This variant is reported in 0.013% of alleles in individuals of African descent in gnomAD. Although we suspect that this variant may be benign, at this time, the clinical significance of this variant is uncertain due to the absence of conclusive functional and genetic evidence.

NM_001281740.3(FHOD3):c.1225A>G (p.Ile409Val)

Gene: FHOD3 (formin homology 2 domain containing 3; plus strand). Cytogenetic location: 18q12.2.
Variant type: single nucleotide variant.
Coding change: c.1225A>G on transcript NM_001281740.3 (MANE Select); coding-DNA position 1225, A replaced by G.
Protein change: p.Ile409Val; replaces isoleucine 409 with valine.
Molecular consequence: missense variant. On other transcripts: intron variant (2).
Genome position (GRCh38, 1-based): chr18:36,649,344, A>G. VCF-style: chr18-36649344-A-G. GRCh37 (hg19) VCF-style: chr18-34229307-A-G.
Other names: c.1197-8731A>G (NM_025135.5, NM_001281739.3); short protein forms I409V.
Identifiers: ClinVar variation 4982986 (VCV004982986.1).
Genomic context (GRCh38, chr18:36,649,344, plus strand): 5'-TGTGCATTTCTCTTTTCCTGGCTTTGTCTCAGGGAGGAGGAGGAGGAAGAGGAGCAGCCA[A>G]TCACGGAGCCCAGTTCCGAAGAAGAGAGAGAGGATGATGCTTCCTGTCAGGGCAAGGACA-3'
Protein context (NP_001268669.1, residues 399-419): KEEEEEEEQP[Ile409Val]TEPSSEEERE